The following is an entry in ClinVar:

ClinVar aggregate classification (germline): Uncertain significance. Review status: criteria provided, multiple submitters, no conflicts (2 of 4 stars). 2 submissions from 2 submitters: Uncertain significance (2). Last evaluated 2024-03-25.

Conditions:
Familial cancer of breast. Also called: BREAST CANCER, FAMILIAL; Hereditary breast cancer; hereditary breast carcinoma. Identifiers: Orphanet 227535, MedGen C0346153, MONDO:0016419, OMIM 114480. Disease mechanism: loss of function.
Hereditary cancer-predisposing syndrome. Also called: Tumor predisposition; Hereditary Cancer Syndrome; Hereditary neoplastic syndrome; Neoplastic Syndromes, Hereditary. Identifiers: Orphanet 140162, MedGen C0027672, MeSH D009386, MONDO:0015356.

Submissions (2):

Ambry Genetics
Classification: Uncertain significance for Hereditary cancer-predisposing syndrome. Last evaluated: 2024-03-25. Review status: criteria provided, single submitter. Criteria: Ambry Variant Classification Scheme 2023. Collection method: clinical testing. Allele origin: germline.
Comment: The p.R474G variant (also known as c.1420C>G), located in coding exon 12 of the CHEK2 gene, results from a C to G substitution at nucleotide position 1420. The arginine at codon 474 is replaced by glycine, an amino acid with dissimilar properties. This amino acid position is highly conserved in available vertebrate species. In addition, this alteration is predicted to be deleterious by in silico analysis. Since supporting evidence is limited at this time, the clinical significance of this alteration remains unclear.

Labcorp Genetics (formerly Invitae), Labcorp
Classification: Uncertain significance for Familial cancer of breast. Last evaluated: 2023-07-10. Review status: criteria provided, single submitter. Criteria: Invitae Variant Classification Sherloc (09022015). Collection method: clinical testing. Allele origin: germline.
Comment: In summary, the available evidence is currently insufficient to determine the role of this variant in disease. Therefore, it has been classified as a Variant of Uncertain Significance. An algorithm developed to predict the effect of missense changes on protein structure and function (PolyPhen-2) suggests that this variant is likely to be disruptive. ClinVar contains an entry for this variant (Variation ID: 410063). This variant has not been reported in the literature in individuals affected with CHEK2-related conditions. This variant is not present in population databases (gnomAD no frequency). This sequence change replaces arginine, which is basic and polar, with glycine, which is neutral and non-polar, at codon 474 of the CHEK2 protein (p.Arg474Gly).

NM_007194.4(CHEK2):c.1420C>G (p.Arg474Gly)

Gene: CHEK2 (checkpoint kinase 2; minus strand). Cytogenetic location: 22q12.1.
Variant type: single nucleotide variant.
Coding change: c.1420C>G on transcript NM_007194.4 (MANE Select); coding-DNA position 1420, C replaced by G.
Protein change: p.Arg474Gly; replaces arginine 474 with glycine.
Molecular consequence: missense variant.
Genome position (GRCh38, 1-based): chr22:28,694,073, G>C on the plus strand (C>G on the coding strand, the complement: CHEK2 is on the minus strand). VCF-style: chr22-28694073-G-C. GRCh37 (hg19) VCF-style: chr22-29090061-G-C.
Other names: c.1549C>G, p.Arg517Gly (NM_001005735.3); c.757C>G, p.Arg253Gly (NM_001257387.3); c.1219C>G, p.Arg407Gly (NM_001349956.3); c.1333C>G, p.Arg445Gly (NM_145862.3); short protein forms R474G, R407G, R517G, R253G, R445G.
Identifiers: ClinVar variation 410063 (VCV000410063.13), dbSNP rs540635787, ClinGen allele CA16616546.